The following is an entry in ClinVar:

ClinVar aggregate classification (germline): Uncertain significance. Review status: criteria provided, multiple submitters, no conflicts (2 of 4 stars). 2 submissions from 2 submitters: Uncertain significance (2). Last evaluated 2025-03-13.

Submissions (2):

Labcorp Genetics (formerly Invitae), Labcorp
Classification: Uncertain significance. Last evaluated: 2025-03-13. Review status: criteria provided, single submitter. Criteria: Invitae Variant Classification Sherloc (09022015). Collection method: clinical testing. Allele origin: germline.
Comment: This variant, c.1305_1346del, results in the deletion of 14 amino acid(s) of the MAGEL2 protein (p.Leu436_Pro449del), but otherwise preserves the integrity of the reading frame. This variant is present in population databases (rs759782709, gnomAD 0.05%), including at least one homozygous and/or hemizygous individual. This variant has not been reported in the literature in individuals affected with MAGEL2-related conditions. ClinVar contains an entry for this variant (Variation ID: 1205298). Experimental studies and prediction algorithms are not available or were not evaluated, and the functional significance of this variant is currently unknown. In summary, the available evidence is currently insufficient to determine the role of this variant in disease. Therefore, it has been classified as a Variant of Uncertain Significance.

GeneDx
Classification: Uncertain significance. Last evaluated: 2024-04-29. Review status: criteria provided, single submitter. Criteria: GeneDx Variant Classification Process June 2021. Collection method: clinical testing. Allele origin: germline. Affected: yes.
Comment: In-frame deletion of 14 amino acids in a non-repeat region; In silico analysis, which includes protein predictors and evolutionary conservation, supports that this variant does not alter protein structure/function; Has not been previously published as pathogenic or benign to our knowledge

NM_019066.5(MAGEL2):c.1305_1346del (p.Leu436_Pro449del)

Gene: MAGEL2 (MAGE family member L2; minus strand). Cytogenetic location: 15q11.2.
Variant type: Deletion.
Coding change: c.1305_1346del on transcript NM_019066.5 (MANE Select); coding-DNA positions 1305 to 1346, 42 bases deleted.
Protein change: p.Leu436_Pro449del.
Molecular consequence: inframe deletion.
Genome position (GRCh38, 1-based): chr15:23,646,397-23,646,438, 42 bases deleted; deleting any 42 consecutive bases within chr15:23,646,397-23,646,449 gives the same sequence; the c. name uses the placement nearest the transcript's 3' end. GRCh37 (hg19): chr15:23,891,555-23,891,596.
Other names: c.1305_1346delGCTGATCCGCCAGGCCCCACCGGTGATCCGCCAGGCCCCACC (NM_019066.4).
Identifiers: ClinVar variation 1205298 (VCV001205298.7), dbSNP rs759782709, ClinGen allele CA7430047.